The following is an entry in ClinVar:

NM_001166108.2(PALLD):c.839A>C (p.Gln280Pro)

Gene: PALLD (palladin, cytoskeletal associated protein; plus strand). Cytogenetic location: 4q32.3.
Variant type: single nucleotide variant.
Coding change: c.839A>C on transcript NM_001166108.2 (MANE Select); coding-DNA position 839, A replaced by C.
Protein change: p.Gln280Pro; replaces glutamine 280 with proline.
Molecular consequence: missense variant.
Genome position (GRCh38, 1-based): chr4:168,512,343, A>C. VCF-style: chr4-168512343-A-C. GRCh37 (hg19) VCF-style: chr4-169433494-A-C.
Other names: c.839A>C, p.Gln280Pro (NM_016081.4); short protein forms Q280P.
Identifiers: ClinVar variation 3413556 (VCV003413556.1).
Genomic context (GRCh38, chr4:168,512,343, plus strand): 5'-AGCCCCACAGCGCCCTCCACTTCCCAGCTGCACCTCGATTCATCCAAAAGCTGAGGAGCC[A>C]AGAAGTAGCAGAAGGGAGCCGAGTTTATCTGGAGTGTAGAGTCACTGGAAACCCCACTCC-3'
Protein context (NP_001159580.1, residues 270-290): APRFIQKLRS[Gln280Pro]EVAEGSRVYL

ClinVar aggregate classification (germline): Uncertain significance (1 of 4 stars; one submission).

gnomAD v4.1: 5 of 1,614,154 alleles (0.00031%); highest among the groups gnomAD compares: African/African-American, 0.0027%; no homozygotes.

Submission:

Ambry Genetics
Classification: Uncertain significance. Last evaluated: 2024-08-22. Review status: criteria provided, single submitter. Criteria: Ambry Variant Classification Scheme 2023. Collection method: clinical testing. Allele origin: germline.
Comment: The p.Q280P variant (also known as c.839A>C), located in coding exon 1 of the PALLD gene, results from an A to C substitution at nucleotide position 839. The glutamine at codon 280 is replaced by proline, an amino acid with similar properties. This amino acid position is conserved. In addition, the in silico prediction for this alteration is inconclusive. Based on the available evidence, the clinical significance of this variant remains unclear.